The following is an entry in ClinVar:

ClinVar aggregate classification (germline): Uncertain significance (1 of 4 stars; one submission).

Submission:

CeGaT Center for Human Genetics Tuebingen
Classification: Uncertain significance. Last evaluated: 2026-09-01. Review status: criteria provided, single submitter. Criteria: CeGaT Center For Human Genetics Tuebingen Variant Classification Criteria Version 2. Collection method: clinical testing. Allele origin: germline. Affected: yes. Observed: 1 variant allele.
Comment: CRYBA1: PM2, PVS1:Moderate

NM_005208.5(CRYBA1):c.622del (p.Gln208fs)

Gene: CRYBA1 (crystallin beta A1; plus strand). Cytogenetic location: 17q11.2.
Variant type: Deletion.
Coding change: c.622del on transcript NM_005208.5 (MANE Select); coding-DNA position 622, one base deleted (C; older notation c.622delC).
Protein change: p.Gln208fs; shifts the reading frame from glutamine 208.
Molecular consequence: frameshift variant.
Genome position (GRCh38, 1-based): chr17:29,254,323, C deleted; the last of 2 consecutive C bases (chr17:29,254,322-29,254,323); deleting either gives the same sequence. VCF-style (leftmost placement, unchanged base first): chr17-29254321-TC-T. GRCh37 (hg19) VCF-style: chr17-27581339-TC-T.
Other names: short protein forms Q208fs.
Identifiers: ClinVar variation 5041827 (VCV005041827.1).